The following is an entry in ClinVar:

NM_000059.4(BRCA2):c.5312G>A (p.Gly1771Asp)

Gene: BRCA2 (BRCA2 DNA repair associated; plus strand). Cytogenetic location: 13q13.1.
Variant type: single nucleotide variant.
Coding change: c.5312G>A on transcript NM_000059.4 (MANE Select); coding-DNA position 5312, G replaced by A.
Protein change: p.Gly1771Asp; replaces glycine 1771 with aspartic acid.
Molecular consequence: missense variant.
Genome position (GRCh38, 1-based): chr13:32,339,667, G>A. VCF-style: chr13-32339667-G-A. GRCh37 (hg19) VCF-style: chr13-32913804-G-A.
Other names: p.G1771D:GGT>GAT; 5540G>A; NP_000050.3:p.Gly1771Asp; short protein forms G1771D.
Identifiers: ClinVar variation 37958 (VCV000037958.103), dbSNP rs80358755, ClinGen allele CA022001.

ClinVar aggregate classification (germline): Benign. Review status: reviewed by expert panel (3 of 4 stars). 40 submissions from 38 submitters: Benign (1). 39 of the submissions do not count toward it. Last evaluated 2015-08-10.

Conditions:
Hereditary cancer-predisposing syndrome. Also called: Neoplastic Syndromes, Hereditary; Hereditary neoplastic syndrome; Hereditary Cancer Syndrome; Tumor predisposition. Identifiers: Orphanet 140162, MedGen C0027672, MeSH D009386, MONDO:0015356.
Breast and/or ovarian cancer. Identifiers: MedGen CN221562.
Hereditary breast ovarian cancer syndrome. Also called: Hereditary breast and ovarian cancer syndrome (HBOC); Breast and ovarian cancer; BRCA1- and BRCA2-Associated Hereditary Breast and Ovarian Cancer; Hereditary breast and ovarian cancer syndrome; Hereditary breast and ovarian cancer; Hereditary breast and/or ovarian cancer syndrome. Identifiers: Orphanet 145, MedGen C0677776, MeSH D061325, MONDO:0003582. Disease mechanism: loss of function.
Fanconi anemia complementation group D1. Also called: BRCA2-Related Fanconi Anemia. Identifiers: Orphanet 319462, MedGen C1838457, MONDO:0011584, OMIM 605724.
Breast-ovarian cancer, familial, susceptibility to, 2 (BROVCA2). Also called: BRCA2 Hereditary Breast and Ovarian Cancer. Identifiers: Orphanet 145, MedGen C2675520, MONDO:0012933, OMIM 612555. Disease mechanism: loss of function.
Familial cancer of breast. Also called: Hereditary breast cancer; hereditary breast carcinoma; BREAST CANCER, FAMILIAL. Identifiers: Orphanet 227535, MedGen C0346153, MONDO:0016419, OMIM 114480. Disease mechanism: loss of function.

Allele frequency attached by ClinVar (database versions not stated): gnomAD 0.00021 and 0.00023; 1000 Genomes Project 0.00020; ExAC 0.00031; ESP Exome Variant Server 0.00038; TOPMed 0.00027; 1000 Genomes Project 30x 0.00016.
gnomAD v4.1: 533 of 1,612,280 alleles (0.033%); highest among the groups gnomAD compares: Middle Eastern, 0.88%; 2 homozygotes.

Submissions 1 to 23 of 40:

Evidence-based Network for the Interpretation of Germline Mutant Alleles (ENIGMA)
Classification: Benign for Breast-ovarian cancer, familial 2. Last evaluated: 2015-08-10. Review status: reviewed by expert panel. Criteria: ENIGMA BRCA1/2 Classification Criteria (2015). Collection method: curation. Allele origin: germline.
Comment: IARC class based on posterior probability from multifactorial likelihood analysis, thresholds for class as per Plon et al. 2008 (PMID: 18951446). Class 1 based on posterior probability = 0.000000153

CeGaT Center for Human Genetics Tuebingen
Classification: Likely benign. Last evaluated: 2026-09-01. Review status: criteria provided, single submitter. Criteria: CeGaT Center For Human Genetics Tuebingen Variant Classification Criteria Version 2. Collection method: clinical testing. Allele origin: germline. Affected: yes. Observed: 11 variant alleles. Not counted in ClinVar's aggregate classification.
Comment: BRCA2: BP4, BS3:Supporting, BS1

Labcorp Genetics (formerly Invitae), Labcorp
Classification: Benign for Hereditary breast ovarian cancer syndrome. Last evaluated: 2026-02-03. Review status: criteria provided, single submitter. Criteria: Invitae Variant Classification Sherloc (09022015). Collection method: clinical testing. Allele origin: germline. Not counted in ClinVar's aggregate classification.

Dasa
Classification: Likely benign for Breast-ovarian cancer, familial, susceptibility to, 2. Last evaluated: 2025-12-02. Review status: criteria provided, single submitter. Criteria: DASA Assertion Criteria. Collection method: clinical testing. Allele origin: germline. Not counted in ClinVar's aggregate classification.
Comment: NM_000059.4(BRCA2):c.5312G>A (p.Gly1771Asp) is a missense variant that results in the substitution of glycine with aspartic acid. Observations in unaffected individuals support a benign interpretation. Computational prediction algorithms are consistent with a benign effect. Therefore, based on the currently available evidence, this variant is classified as likely benign.

Center for Genomic Medicine, Rigshospitalet, Copenhagen University Hospital
Classification: Benign. Last evaluated: 2025-03-04. Review status: criteria provided, single submitter. Criteria: ACMG Guidelines, 2015. Collection method: clinical testing. Allele origin: germline. Not counted in ClinVar's aggregate classification.

KCCC/NGS Laboratory, Kuwait Cancer Control Center
Classification: Benign for Familial cancer of breast. Last evaluated: 2025-02-01. Review status: criteria provided, single submitter. Criteria: ACMG Guidelines, 2015. Collection method: clinical testing. Allele origin: germline. Affected: no. Not counted in ClinVar's aggregate classification.

Mayo Clinic Laboratories, Mayo Clinic
Classification: Benign. Last evaluated: 2024-12-02. Review status: criteria provided, single submitter. Criteria: ACMG Guidelines, 2015. Collection method: clinical testing. Allele origin: germline. Observed: 4 variant alleles. Not counted in ClinVar's aggregate classification.
Comment: BS1, BP1_strong

Blueprint Genetics
Classification: Likely benign. Last evaluated: 2024-11-19. Review status: criteria provided, single submitter. Criteria: ACMG Guidelines, 2015. Collection method: clinical testing. Allele origin: germline. Not counted in ClinVar's aggregate classification.

ARUP Laboratories, Molecular Genetics and Genomics, ARUP Laboratories
Classification: Benign. Last evaluated: 2024-01-03. Review status: criteria provided, single submitter. Criteria: ARUP Molecular Germline Variant Investigation Process 2024. Collection method: clinical testing. Allele origin: germline. Not counted in ClinVar's aggregate classification.

KCCC/NGS Laboratory, Kuwait Cancer Control Center
Classification: Benign for Breast-ovarian cancer, familial, susceptibility to, 2. Last evaluated: 2023-07-07. Review status: criteria provided, single submitter. Criteria: ACMG Guidelines, 2015. Collection method: clinical testing. Allele origin: germline. Affected: yes. Not counted in ClinVar's aggregate classification.

CHEO Genetics Diagnostic Laboratory, Children's Hospital of Eastern Ontario
Classification: Likely benign for Breast and/or ovarian cancer. Last evaluated: 2023-04-13. Review status: criteria provided, single submitter. Criteria: ACMG Guidelines, 2015. Collection method: clinical testing. Allele origin: germline. Study: Canadian Open Genetics Repository. Not counted in ClinVar's aggregate classification.

Institute for Biomarker Research, Medical Diagnostic Laboratories, L.L.C.
Classification: Benign for Hereditary breast ovarian cancer syndrome. Last evaluated: 2023-04-11. Review status: criteria provided, single submitter. Criteria: ACMG Guidelines, 2015. Collection method: clinical testing. Allele origin: germline. Not counted in ClinVar's aggregate classification.

National Health Laboratory Service, Universitas Academic Hospital and University of the Free State
Classification: Benign for Hereditary breast ovarian cancer syndrome. Last evaluated: 2022-04-19. Review status: criteria provided, single submitter. Criteria: ACMG Guidelines, 2015. Collection method: clinical testing. Allele origin: germline. Affected: yes. Observed: 1 variant allele. Not counted in ClinVar's aggregate classification.

Genetics Program, Instituto Nacional de Cancer
Classification: Likely benign for Hereditary breast ovarian cancer syndrome. Last evaluated: 2021-11-01. Review status: criteria provided, single submitter. Criteria: ACMG Guidelines, 2015. Collection method: research. Allele origin: germline. Affected: yes. Not counted in ClinVar's aggregate classification.

Sema4
Classification: Benign for Hereditary cancer-predisposing syndrome. Last evaluated: 2020-09-28. Review status: criteria provided, single submitter. Criteria: Sema4 Curation Guidelines. Collection method: curation. Allele origin: germline. Not counted in ClinVar's aggregate classification.

Genetic Services Laboratory, University of Chicago
Classification: Likely benign. Last evaluated: 2019-07-29. Review status: criteria provided, single submitter. Criteria: ACMG Guidelines, 2015. Collection method: clinical testing. Allele origin: germline. Affected: no. Not counted in ClinVar's aggregate classification.

Mendelics
Classification: Likely benign for Breast-ovarian cancer, familial, susceptibility to, 2. Last evaluated: 2019-05-28. Review status: criteria provided, single submitter. Criteria: Mendelics Assertion Criteria 2017. Collection method: clinical testing. Allele origin: unknown. Not counted in ClinVar's aggregate classification.

Illumina Laboratory Services, Illumina
Classification: Uncertain significance for Breast-ovarian cancer, familial, susceptibility to, 2. Last evaluated: 2018-03-06. Review status: criteria provided, single submitter. Criteria: ICSL Variant Classification Criteria 13 December 2019. Collection method: clinical testing. Allele origin: germline. Not counted in ClinVar's aggregate classification.

Illumina Laboratory Services, Illumina
Classification: Uncertain significance for Fanconi anemia complementation group D1. Last evaluated: 2018-03-06. Review status: criteria provided, single submitter. Criteria: ICSL Variant Classification Criteria 13 December 2019. Collection method: clinical testing. Allele origin: germline. Not counted in ClinVar's aggregate classification.

Genome Diagnostics Laboratory, University Medical Center Utrecht
Classification: Likely benign for Breast-ovarian cancer, familial, susceptibility to, 2. Last evaluated: 2017-07-28. Review status: criteria provided, single submitter. Criteria: ACGS Guidelines, 2013. Collection method: clinical testing. Allele origin: germline. Affected: yes. Study: VKGL Data-share Consensus. Not counted in ClinVar's aggregate classification.

Department of Pathology and Molecular Medicine, Queen's University
Classification: Benign. Last evaluated: 2017-04-20. Review status: criteria provided, single submitter. Criteria: ACMG Guidelines, 2015. Collection method: clinical testing. Allele origin: germline. Study: The Canadian Open Genetics Repository (COGR). Not counted in ClinVar's aggregate classification.

PreventionGenetics, part of Exact Sciences
Classification: Likely benign. Last evaluated: 2017-01-10. Review status: criteria provided, single submitter. Criteria: ACMG Guidelines, 2015. Collection method: clinical testing. Allele origin: germline. Not counted in ClinVar's aggregate classification.

Laboratory for Molecular Medicine, Mass General Brigham Personalized Medicine
Classification: Uncertain significance. Last evaluated: 2016-03-28. Review status: criteria provided, single submitter. Criteria: LMM Criteria. Collection method: clinical testing. Allele origin: germline. Not counted in ClinVar's aggregate classification.
Comment: Variant identified in a genome or exome case(s) and assessed due to predicted null impact of the variant or pathogenic assertions in the literature or databases. Disclaimer: This variant has not undergone full assessment. The following are preliminary notes: Clinvar: 7 labs classify as LB/Ben; ExAC: 0.1% (6/11554) Latino chromosomes